The following is an entry in ClinVar:

ClinVar aggregate classification (germline): Uncertain significance (1 of 4 stars; one submission).

Conditions:
Gastrointestinal stromal tumor. Also called: Gastrointestinal stromal tumor, somatic; Gastrointestinal stroma tumor. Identifiers: Orphanet 44890, MedGen C0238198, MeSH D046152, MONDO:0011719, OMIM 606764, HP:0100723.

Allele frequency attached by ClinVar (database versions not stated): gnomAD exomes below 0.00001.
gnomAD v4.1: 7 of 1,569,252 alleles (0.00045%); highest among the groups gnomAD compares: Non-Finnish European, 0.00035%; no homozygotes.

Submission:

Labcorp Genetics (formerly Invitae), Labcorp
Classification: Uncertain significance for Gastrointestinal stromal tumor. Last evaluated: 2026-01-30. Review status: criteria provided, single submitter. Criteria: Invitae Variant Classification Sherloc (09022015). Collection method: clinical testing. Allele origin: germline.
Comment: This sequence change replaces glutamic acid, which is acidic and polar, with aspartic acid, which is acidic and polar, at codon 788 of the PDGFRA protein (p.Glu788Asp). This variant is not present in population databases (gnomAD no frequency). This variant has not been reported in the literature in individuals affected with PDGFRA-related conditions. ClinVar contains an entry for this variant (Variation ID: 1059565). Invitae Evidence Modeling of protein sequence and biophysical properties (such as structural, functional, and spatial information, amino acid conservation, physicochemical variation, residue mobility, and thermodynamic stability) indicates that this missense variant is not expected to disrupt PDGFRA protein function with a negative predictive value of 80%. In summary, the available evidence is currently insufficient to determine the role of this variant in disease. Therefore, it has been classified as a Variant of Uncertain Significance.

NM_006206.6(PDGFRA):c.2364A>C (p.Glu788Asp)

Gene: PDGFRA (platelet derived growth factor receptor alpha; plus strand). Cytogenetic location: 4q12.
Variant type: single nucleotide variant.
Coding change: c.2364A>C on transcript NM_006206.6 (MANE Select); coding-DNA position 2364, A replaced by C.
Protein change: p.Glu788Asp; replaces glutamic acid 788 with aspartic acid.
Molecular consequence: missense variant.
Genome position (GRCh38, 1-based): chr4:54,285,411, A>C. VCF-style: chr4-54285411-A-C. GRCh37 (hg19) VCF-style: chr4-55151578-A-C.
Other names: c.2403A>C, p.Glu801Asp (NM_001347830.2); c.2439A>C, p.Glu813Asp (NM_001347828.2); c.2364A>C, p.Glu788Asp (NM_001347829.2); short protein forms E788D, E801D, E813D.
Identifiers: ClinVar variation 1059565 (VCV001059565.7), dbSNP rs1724302022, ClinGen allele CA356894666.